The following is an entry in ClinVar:

ClinVar aggregate classification (germline): Pathogenic. Review status: criteria provided, multiple submitters, no conflicts (2 of 4 stars). 3 submissions from 3 submitters: Pathogenic (3). Last evaluated 2025-06-02.

Conditions:
Mucolipidosis type II. Also called: Mucolipidosis 2; ML 2; Inclusion cell disease; Leroy Disease; N-acetylglucosamine 1phosphotransferase deficiency; ML disorder type 2. Identifiers: Orphanet 576, MedGen C2673377, MONDO:0009650, OMIM 252500.
Pseudo-Hurler polydystrophy. Also called: ML III; ML III ALPHA/BETA; MUCOLIPIDOSIS IIIA; Type III Mucolipidosis; ML IIIA; Mucolipidosis III Alpha/Beta. Identifiers: Orphanet 423461, Orphanet 577, MedGen C0033788, MONDO:0018931, OMIM 252600.
GNPTAB-mucolipidosis. Also called: UDP-N-acetylglucosamine-1-phosphotransferase subunit alpha/beta deficiency. Identifiers: MedGen CN322573, MONDO:0100122.

Allele frequency attached by ClinVar (database versions not stated): gnomAD exomes below 0.00001.
gnomAD v4.1: 2 of 1,613,998 alleles (0.00012%); highest among the groups gnomAD compares: Non-Finnish European, 0.00017%; no homozygotes.

Submissions (3):

GeneDx
Classification: Pathogenic. Last evaluated: 2025-06-02. Review status: criteria provided, single submitter. Criteria: GeneDx Variant Classification Process June 2021. Collection method: clinical testing. Allele origin: germline. Affected: yes.
Comment: Nonsense variant predicted to result in protein truncation or nonsense mediated decay in a gene for which loss of function is a known mechanism of disease; Not observed at significant frequency in large population cohorts (gnomAD); Has not been previously published as pathogenic or benign to our knowledge

Myriad Genetics, Inc.
Classification: Pathogenic for GNPTAB-mucolipidosis. Last evaluated: 2024-03-09. Review status: criteria provided, single submitter. Criteria: Myriad Autosomal Dominant, Autosomal Recessive and X-Linked Classification Criteria (2023). Collection method: clinical testing. Allele origin: unknown.
Comment: NM_024312.4(GNPTAB):c.1955T>G(L652*) is expected to be pathogenic in the context of GNPTAB-related disorders. This variant is predicted to lead to an abnormal or absent protein product due to the creation of a premature termination codon in GNPTAB, a gene where loss-of-function variants are known to be pathogenic. Please note: this variant was assessed in the context of healthy population screening.

Labcorp Genetics (formerly Invitae), Labcorp
Classification: Pathogenic for Pseudo-Hurler polydystrophy; Mucolipidosis type II. Last evaluated: 2023-02-14. Review status: criteria provided, single submitter. Criteria: Invitae Variant Classification Sherloc (09022015). Collection method: clinical testing. Allele origin: germline.
Comment: For these reasons, this variant has been classified as Pathogenic. ClinVar contains an entry for this variant (Variation ID: 967739). This variant has not been reported in the literature in individuals affected with GNPTAB-related conditions. This variant is not present in population databases (gnomAD no frequency). This sequence change creates a premature translational stop signal (p.Leu652*) in the GNPTAB gene. It is expected to result in an absent or disrupted protein product. Loss-of-function variants in GNPTAB are known to be pathogenic (PMID: 19617216, 25107912).

Literature cited by the submitters: PubMed 19617216 (cited by Labcorp Genetics (formerly Invitae), Labcorp); PubMed 25107912 (cited by Labcorp Genetics (formerly Invitae), Labcorp).

NM_024312.5(GNPTAB):c.1955T>G (p.Leu652Ter)

Gene: GNPTAB (N-acetylglucosamine-1-phosphate transferase subunits alpha and beta; minus strand). Cytogenetic location: 12q23.2.
Variant type: single nucleotide variant.
Coding change: c.1955T>G on transcript NM_024312.5 (MANE Select); coding-DNA position 1955, T replaced by G.
Protein change: p.Leu652Ter; replaces leucine 652 with a stop codon.
Molecular consequence: nonsense.
Genome position (GRCh38, 1-based): chr12:101,764,962, A>C on the plus strand (T>G on the coding strand, the complement: GNPTAB is on the minus strand). VCF-style: chr12-101764962-A-C. GRCh37 (hg19) VCF-style: chr12-102158740-A-C.
Other names: short protein forms L652*.
Identifiers: ClinVar variation 967739 (VCV000967739.9), dbSNP rs1953064841, ClinGen allele CA386299313.